The following is an entry in ClinVar:

NM_022124.6(CDH23):c.*349A>G

Gene: CDH23 (cadherin related 23; plus strand). Cytogenetic location: 10q22.1.
Variant type: single nucleotide variant.
Coding change: c.*349A>G on transcript NM_022124.6 (MANE Select); 349 bases downstream of the stop codon, A replaced by G.
Molecular consequence: 3 prime UTR variant.
Genome position (GRCh38, 1-based): chr10:71,815,627, A>G. VCF-style: chr10-71815627-A-G. GRCh37 (hg19) VCF-style: chr10-73575384-A-G.
Other names: c.*349A>G (NM_001171933.1, NM_001171934.1, NM_001171935.1 and 1 more transcripts).
Identifiers: ClinVar variation 300489 (VCV000300489.9), dbSNP rs1867978, ClinGen allele CA10632049.

ClinVar aggregate classification (germline): Benign/Likely benign. Review status: criteria provided, multiple submitters, no conflicts (2 of 4 stars). 4 submissions from 3 submitters: Benign (3); Likely benign (1). Last evaluated 2021-05-10.

Conditions:
Usher syndrome type 1D (USH1D). Also called: USHER SYNDROME, TYPE ID. Identifiers: Orphanet 231169, Orphanet 886, MedGen C1832845, MONDO:0010984, OMIM 601067.
Autosomal recessive nonsyndromic hearing loss 12. Also called: DEAFNESS, AUTOSOMAL RECESSIVE 12. Identifiers: Orphanet 90636, MedGen C1832394, MONDO:0011067, OMIM 601386.

Allele frequency attached by ClinVar (database versions not stated): gnomAD exomes 0.74569; gnomAD 0.77152 and 0.77194; TOPMed 0.77287; 1000 Genomes Project 30x 0.78857; 1000 Genomes Project 0.78934.
gnomAD v4.1: 152,311 of 199,082 alleles (77%); highest among the groups gnomAD compares: African/African-American, 85%; 58,658 homozygotes.

Submissions (4):

GeneDx
Classification: Benign. Last evaluated: 2021-05-10. Review status: criteria provided, single submitter. Criteria: GeneDx Variant Classification Process June 2021. Collection method: clinical testing. Allele origin: germline. Affected: yes.

Illumina Laboratory Services, Illumina
Classification: Benign for Autosomal recessive nonsyndromic hearing loss 12. Last evaluated: 2018-01-13. Review status: criteria provided, single submitter. Criteria: ICSL Variant Classification Criteria 13 December 2019. Collection method: clinical testing. Allele origin: germline.
Comment: This variant was observed in the ICSL laboratory as part of a predisposition screen in an ostensibly healthy population. It had not been previously curated by ICSL or reported in the Human Gene Mutation Database (HGMD: prior to June 1st, 2018), and was therefore a candidate for classification through an automated scoring system. Utilizing variant allele frequency, disease prevalence and penetrance estimates, and inheritance mode, an automated score was calculated to assess if this variant is too frequent to cause the disease. Based on the score and internal cut-off values, a variant classified as benign is not then subjected to further curation. The score for this variant resulted in a classification of benign for this disease.

Illumina Laboratory Services, Illumina
Classification: Benign for Usher syndrome type 1D. Last evaluated: 2018-01-13. Review status: criteria provided, single submitter. Criteria: ICSL Variant Classification Criteria 13 December 2019. Collection method: clinical testing. Allele origin: germline.
Comment: the same text as in the submission from Illumina Laboratory Services, Illumina above.

Breakthrough Genomics
Classification: Likely benign. Review status: criteria provided, single submitter. Criteria: ACMG Guidelines, 2015. Collection method: not provided. Allele origin: germline. Inheritance: Autosomal recessive inheritance. Affected: yes.